The following is an entry in ClinVar:

ClinVar aggregate classification (germline): Likely benign (1 of 4 stars; one submission).

Allele frequency attached by ClinVar (database versions not stated): TOPMed 0.00001; gnomAD exomes below 0.00001.
gnomAD v4.1: 4 of 1,613,624 alleles (0.00025%); highest among the groups gnomAD compares: Non-Finnish European, 0.00034%; no homozygotes.

Submission:

GeneDx
Classification: Likely benign. Last evaluated: 2018-02-22. Review status: criteria provided, single submitter. Criteria: GeneDx Variant Classification (06012015). Collection method: clinical testing. Allele origin: germline. Affected: yes.
Comment: This variant is considered likely benign or benign based on one or more of the following criteria: it is a conservative change, it occurs at a poorly conserved position in the protein, it is predicted to be benign by multiple in silico algorithms, and/or has population frequency not consistent with disease.

NM_001267550.2(TTN):c.21307T>A (p.Leu7103Met)

Genes: TTN (titin; minus strand), LOC126806428 (BRD4-independent group 4 enhancer GRCh37_chr2:179588362-179589561; plus strand). Cytogenetic location: 2q31.2.
Variant type: single nucleotide variant.
Coding change: c.21307T>A on transcript NM_001267550.2 (MANE Select); coding-DNA position 21307, T replaced by A.
Protein change: p.Leu7103Met; replaces leucine 7103 with methionine.
Molecular consequence: missense variant. On other transcripts: intron variant (3).
Genome position (GRCh38, 1-based): chr2:178,723,952, A>T on the plus strand (T>A on the coding strand, the complement: TTN is on the minus strand). VCF-style: chr2-178723952-A-T. GRCh37 (hg19) VCF-style: chr2-179588679-A-T.
Other names: c.20356T>A, p.Leu6786Met (NM_001256850.1); c.17575T>A, p.Leu5859Met (NM_133378.4); c.13282+14130T>A (NM_003319.4); c.13858+14130T>A (NM_133437.4); c.13657+14130T>A (NM_133432.3); short protein forms L6786M, L7103M, L5859M.
Identifiers: ClinVar variation 515664 (VCV000515664.1), dbSNP rs1235519093, ClinGen allele CA349535851.